The following is an entry in ClinVar:

NC_000002.11:g.(?_15358877)_(15378830_?)del

Gene: NBAS (NBAS subunit of NRZ tethering complex; minus strand). Cytogenetic location: 2p24.3.
Variant type: Deletion.
Identifiers: ClinVar variation 2426230 (VCV002426230.4).

ClinVar aggregate classification (germline): Pathogenic (1 of 4 stars; one submission).

Submission:

Labcorp Genetics (formerly Invitae), Labcorp
Classification: Pathogenic. Last evaluated: 2023-02-16. Review status: criteria provided, single submitter. Criteria: Invitae Variant Classification Sherloc (09022015). Collection method: clinical testing. Allele origin: germline.
Comment: This variant is a gross deletion of the genomic region encompassing exon(s) 45-48 of the NBAS gene. This variant would be expected to be in-frame, preserving the integrity of the reading frame. This variant has not been reported in the literature in individuals affected with NBAS-related conditions. This variant disrupts a region of the NBAS protein in which other variant(s) (p.Arg1914His) have been determined to be pathogenic (PMID: 20577004, 24884844, 28031453, 28115293, 28425089). This suggests that this is a clinically significant region of the protein, and that variants that disrupt it are likely to be disease-causing. For these reasons, this variant has been classified as Pathogenic.

Literature cited by the submitters: PubMed 20577004; PubMed 24884844; PubMed 28031453; PubMed 28115293; PubMed 28425089.